The following is an entry in ClinVar:

NM_174936.4(PCSK9):c.394G>A (p.Glu132Lys)

Gene: PCSK9 (proprotein convertase subtilisin/kexin type 9; plus strand). Cytogenetic location: 1p32.3.
Variant type: single nucleotide variant.
Coding change: c.394G>A on transcript NM_174936.4 (MANE Select); coding-DNA position 394, G replaced by A.
Protein change: p.Glu132Lys; replaces glutamic acid 132 with lysine.
Molecular consequence: missense variant. On other transcripts: non-coding transcript variant (6), intron variant (1).
Genome position (GRCh38, 1-based): chr1:55,044,029, G>A. VCF-style: chr1-55044029-G-A. GRCh37 (hg19) VCF-style: chr1-55509702-G-A.
Other names: c.208-2494G>A (NM_001407245.1); c.517G>A, p.Glu173Lys (NM_001407240.1); c.394G>A, p.Glu132Lys (NM_001407241.1, NM_001407242.1, NM_001407243.1 and 2 more transcripts); c.19G>A, p.Glu7Lys (NM_001407246.1); short protein forms E132K, E173K, E7K.
Identifiers: ClinVar variation 4850684 (VCV004850684.1).

ClinVar aggregate classification (germline): Uncertain significance (1 of 4 stars; one submission).

Conditions:
Familial hypercholesterolemia. Also called: Familial hypercholesterolemias; Familial hypercholesterolaemia. Identifiers: MedGen C0020445, MONDO:0005439.

Submission:

Cambridge Genomics Laboratory, East Genomic Laboratory Hub, NHS Genomic Medicine Service
Classification: Uncertain significance for Familial hypercholesterolaemia. Last evaluated: 2026-04-14. Review status: criteria provided, single submitter. Criteria: ACGS Best Practice Guidelines for Variant Classification in Rare Disease 2020. Collection method: clinical testing. Allele origin: germline. Affected: yes.
Comment: PM2_Supporting,PP4